The following is an entry in ClinVar:

NM_006158.5(NEFL):c.339G>C (p.Gln113His)

Gene: NEFL (neurofilament light chain; minus strand). Cytogenetic location: 8p21.2.
Variant type: single nucleotide variant.
Coding change: c.339G>C on transcript NM_006158.5 (MANE Select); coding-DNA position 339, G replaced by C.
Protein change: p.Gln113His; replaces glutamine 113 with histidine.
Molecular consequence: missense variant.
Genome position (GRCh38, 1-based): chr8:24,956,177, C>G on the plus strand (G>C on the coding strand, the complement: NEFL is on the minus strand). VCF-style: chr8-24956177-C-G. GRCh37 (hg19) VCF-style: chr8-24813691-C-G.
Other names: short protein forms Q113H.
Identifiers: ClinVar variation 909677 (VCV000909677.7), dbSNP rs750251152, ClinGen allele CA4681515.

ClinVar aggregate classification (germline): Conflicting classifications of pathogenicity. Review status: criteria provided, conflicting classifications (1 of 4 stars). 3 submissions from 3 submitters: Uncertain significance (1); Likely benign (2). Last evaluated 2023-03-10.

Conditions:
Charcot-Marie-Tooth disease. Also called: Charcot-Marie-Tooth Neuropathy; Charcot-Marie-Tooth Hereditary Neuropathy. Identifiers: Orphanet 166, MedGen C0007959, MONDO:0015626.
Inborn genetic diseases. Identifiers: MedGen C0950123, MeSH D030342.
Charcot-Marie-Tooth disease type 1F. Also called: Charcot-Marie-Tooth disease, demyelinating, type 1f; CHARCOT-MARIE-TOOTH NEUROPATHY, TYPE 1F. Identifiers: Orphanet 101085, MedGen C1843164, MONDO:0011902, OMIM 607734.

Allele frequency attached by ClinVar (database versions not stated): gnomAD exomes 0.00028; gnomAD 0.00012 and 0.00013; TOPMed 0.00013; ExAC 0.00020.

Submissions (3):

Ambry Genetics
Classification: Likely benign for Inborn genetic diseases. Last evaluated: 2023-03-10. Review status: criteria provided, single submitter. Criteria: Ambry Variant Classification Scheme 2023. Collection method: clinical testing. Allele origin: germline.

Illumina Laboratory Services, Illumina
Classification: Likely benign for Charcot-Marie-Tooth disease type 1F. Last evaluated: 2018-01-13. Review status: criteria provided, single submitter. Criteria: ICSL Variant Classification Criteria 13 December 2019. Collection method: clinical testing. Allele origin: germline.
Comment: This variant was observed in the ICSL laboratory as part of a predisposition screen in an ostensibly healthy population. It had not been previously curated by ICSL or reported in the Human Gene Mutation Database (HGMD: prior to June 1st, 2018), and was therefore a candidate for classification through an automated scoring system. Utilizing variant allele frequency, disease prevalence and penetrance estimates, and inheritance mode, an automated score was calculated to assess if this variant is too frequent to cause the disease. Based on the score and internal cut-off values, a variant classified as likely benign is not then subjected to further curation. The score for this variant resulted in a classification of likely benign for this disease.

Molecular Genetics Laboratory, London Health Sciences Centre
Classification: Uncertain significance for Charcot-Marie-Tooth disease. Review status: criteria provided, single submitter. Criteria: ACMG Guidelines, 2015. Collection method: clinical testing. Allele origin: germline. Affected: yes.